The following is an entry in ClinVar:

NM_004370.6(COL12A1):c.8360C>T (p.Pro2787Leu)

Gene: COL12A1 (collagen type XII alpha 1 chain; minus strand). Cytogenetic location: 6q13.
Variant type: single nucleotide variant.
Coding change: c.8360C>T on transcript NM_004370.6 (MANE Select); coding-DNA position 8360, C replaced by T.
Protein change: p.Pro2787Leu; replaces proline 2787 with leucine.
Molecular consequence: missense variant.
Genome position (GRCh38, 1-based): chr6:75,102,652, G>A on the plus strand (C>T on the coding strand, the complement: COL12A1 is on the minus strand). VCF-style: chr6-75102652-G-A. GRCh37 (hg19) VCF-style: chr6-75812368-G-A.
Other names: c.4868C>T, p.Pro1623Leu (NM_080645.3); short protein forms P2787L, P1623L.
Identifiers: ClinVar variation 2024406 (VCV002024406.4), dbSNP rs1017276143, ClinGen allele CA141005340.

ClinVar aggregate classification (germline): Uncertain significance (1 of 4 stars; one submission).

Conditions:
Ullrich congenital muscular dystrophy 2 (UCMD2). Identifiers: Orphanet 75840, MedGen C4225314, MONDO:0014654, OMIM 616470.
Bethlem myopathy 2 (BTHLM2). Identifiers: Orphanet 536516, Orphanet 610, MedGen C4225313, MONDO:0034022, OMIM 616471.

Allele frequency attached by ClinVar (database versions not stated): TOPMed below 0.00001; gnomAD 0.00001; gnomAD exomes 0.00001.
gnomAD v4.1: 9 of 1,573,050 alleles (0.00057%); highest among the groups gnomAD compares: African/African-American, 0.0014%; no homozygotes.

Submission:

Labcorp Genetics (formerly Invitae), Labcorp
Classification: Uncertain significance for Bethlem myopathy 2; Ullrich congenital muscular dystrophy 2. Last evaluated: 2021-12-02. Review status: criteria provided, single submitter. Criteria: Invitae Variant Classification Sherloc (09022015). Collection method: clinical testing. Allele origin: germline.
Comment: In summary, the available evidence is currently insufficient to determine the role of this variant in disease. Therefore, it has been classified as a Variant of Uncertain Significance. Algorithms developed to predict the effect of missense changes on protein structure and function are either unavailable or do not agree on the potential impact of this missense change (SIFT: "Deleterious"; PolyPhen-2: "Probably Damaging"; Align-GVGD: "Class C0"). This variant has not been reported in the literature in individuals affected with COL12A1-related conditions. This variant is present in population databases (no rsID available, gnomAD 0.03%). This sequence change replaces proline, which is neutral and non-polar, with leucine, which is neutral and non-polar, at codon 2787 of the COL12A1 protein (p.Pro2787Leu).